The following is an entry in ClinVar:

NM_005612.5(REST):c.1835A>G (p.Gln612Arg)

Gene: REST (RE1 silencing transcription factor; plus strand). Cytogenetic location: 4q12.
Variant type: single nucleotide variant.
Coding change: c.1835A>G on transcript NM_005612.5 (MANE Select); coding-DNA position 1835, A replaced by G.
Protein change: p.Gln612Arg; replaces glutamine 612 with arginine.
Molecular consequence: missense variant.
Genome position (GRCh38, 1-based): chr4:56,930,693, A>G. VCF-style: chr4-56930693-A-G. GRCh37 (hg19) VCF-style: chr4-57796859-A-G.
Other names: c.1835A>G, p.Gln612Arg (NM_001193508.2, NM_001363453.3); short protein forms Q612R.
Identifiers: ClinVar variation 3020992 (VCV003020992.3), dbSNP rs2475850693, ClinGen allele CA357007527.
Genomic context (GRCh38, chr4:56,930,693, plus strand): 5'-GCAGTAAGCCTCCTCAGAAGGAACCTGTTGAGAAGGGATCTGCTCAGATGGACCCTCCTC[A>G]GATGGGGCCTGCTCCCACAGAGGCGGTTCAGAAGGGGCCCGTTCAGGTGGAGCCGCCACC-3'
Protein context (NP_005603.3, residues 602-622): EKGSAQMDPP[Gln612Arg]MGPAPTEAVQ

ClinVar aggregate classification (germline): Uncertain significance (1 of 4 stars; one submission).

Submission:

Labcorp Genetics (formerly Invitae), Labcorp
Classification: Uncertain significance. Last evaluated: 2023-05-23. Review status: criteria provided, single submitter. Criteria: Invitae Variant Classification Sherloc (09022015). Collection method: clinical testing. Allele origin: germline.
Comment: In summary, the available evidence is currently insufficient to determine the role of this variant in disease. Therefore, it has been classified as a Variant of Uncertain Significance. Algorithms developed to predict the effect of missense changes on protein structure and function output the following: SIFT: "Not Available"; PolyPhen-2: "Benign"; Align-GVGD: "Not Available". The arginine amino acid residue is found in multiple mammalian species, which suggests that this missense change does not adversely affect protein function. This variant has not been reported in the literature in individuals affected with REST-related conditions. This variant is not present in population databases (gnomAD no frequency). This sequence change replaces glutamine, which is neutral and polar, with arginine, which is basic and polar, at codon 612 of the REST protein (p.Gln612Arg).